The following is an entry in ClinVar:

ClinVar aggregate classification (germline): Pathogenic/Likely pathogenic. Review status: criteria provided, multiple submitters, no conflicts (2 of 4 stars). 3 submissions from 3 submitters: Pathogenic (1); Likely pathogenic (2). Last evaluated 2025-06-03.

Conditions:
3-methylcrotonyl-CoA carboxylase 1 deficiency (MCC1D). Also called: MCCD TYPE 1; METHYLCROTONYLGLYCINURIA TYPE I; MCC 1 deficiency; 3 Alpha methylcrotonylglycinuria 1. Identifiers: Orphanet 6, MedGen CN028786, MONDO:0008861, OMIM 210200.

Submissions (3):

Natera, Inc.
Classification: Likely pathogenic for 3-methylcrotonyl-CoA carboxylase 1 deficiency. Last evaluated: 2025-06-03. Review status: criteria provided, single submitter. Criteria: Natera Variant Classification Schema (03/2026). Collection method: clinical testing. Allele origin: germline.
Comment: The c.1792del variant in MCCC1 is a frameshift variant predicted to shift the reading frame and introduce a stop codon. This variant is expected to result in nonsense mediated decay, truncation, or a dysfunctional protein product. This variant is rare in the general population with a frequency below the threshold expected for the associated phenotype(s). Given the available evidence, this variant is classified as Likely Pathogenic.

Baylor Genetics
Classification: Likely pathogenic for 3-methylcrotonyl-CoA carboxylase 1 deficiency. Last evaluated: 2022-05-23. Review status: criteria provided, single submitter. Criteria: ACMG Guidelines, 2015. Collection method: clinical testing. Allele origin: unknown.

Labcorp Genetics (formerly Invitae), Labcorp
Classification: Pathogenic for 3-methylcrotonyl-CoA carboxylase 1 deficiency. Last evaluated: 2021-10-27. Review status: criteria provided, single submitter. Criteria: Invitae Variant Classification Sherloc (09022015). Collection method: clinical testing. Allele origin: germline.
Comment: For these reasons, this variant has been classified as Pathogenic. This variant has not been reported in the literature in individuals affected with MCCC1-related conditions. This variant is not present in population databases (gnomAD no frequency). This sequence change creates a premature translational stop signal (p.Leu598*) in the MCCC1 gene. It is expected to result in an absent or disrupted protein product. Loss-of-function variants in MCCC1 are known to be pathogenic (PMID: 11181649, 15359379, 22642865).

Literature cited by the submitters: PubMed 11181649 (cited by Labcorp Genetics (formerly Invitae), Labcorp); PubMed 15359379 (cited by Labcorp Genetics (formerly Invitae), Labcorp); PubMed 22642865 (cited by Labcorp Genetics (formerly Invitae), Labcorp).

NM_020166.5(MCCC1):c.1792del (p.Tyr597_Leu598insTer)

Gene: MCCC1 (methylcrotonyl-CoA carboxylase subunit 1; minus strand). Cytogenetic location: 3q27.1.
Variant type: Deletion.
Coding change: c.1792del on transcript NM_020166.5 (MANE Select); coding-DNA position 1792, one base deleted (C; older notation c.1792delC).
Protein change: p.Tyr597_Leu598insTer.
Molecular consequence: nonsense. On other transcripts: non-coding transcript variant (2).
Genome position (GRCh38, 1-based): chr3:183,022,494, G deleted on the plus strand (C on the coding strand, the reverse complement: MCCC1 is on the minus strand); the first of 2 consecutive G bases (chr3:183,022,494-183,022,495); deleting either gives the same sequence. VCF-style (leftmost placement, unchanged base first): chr3-183022493-AG-A. GRCh37 (hg19) VCF-style: chr3-182740281-AG-A.
Other names: c.1792del (NM_020166.4); c.1441del, p.Tyr480_Leu481insTer (NM_001293273.2); c.1465del, p.Tyr488_Leu489insTer (NM_001363880.1).
Identifiers: ClinVar variation 1456726 (VCV001456726.8), dbSNP rs2108441513, ClinGen allele CA2573136801.